The following is an entry in ClinVar:

NM_006206.6(PDGFRA):c.392T>C (p.Leu131Pro)

Gene: PDGFRA (platelet derived growth factor receptor alpha; plus strand). Cytogenetic location: 4q12.
Variant type: single nucleotide variant.
Coding change: c.392T>C on transcript NM_006206.6 (MANE Select); coding-DNA position 392, T replaced by C.
Protein change: p.Leu131Pro; replaces leucine 131 with proline.
Molecular consequence: missense variant.
Genome position (GRCh38, 1-based): chr4:54,263,691, T>C. VCF-style: chr4-54263691-T-C. GRCh37 (hg19) VCF-style: chr4-55129858-T-C.
Other names: c.392T>C, p.Leu131Pro (NM_001347827.2, NM_001347829.2); c.467T>C, p.Leu156Pro (NM_001347828.2); c.431T>C, p.Leu144Pro (NM_001347830.2); short protein forms L156P, L131P, L144P.
Identifiers: ClinVar variation 1430125 (VCV001430125.8), dbSNP rs2110250721, ClinGen allele CA356889662.

ClinVar aggregate classification (germline): Uncertain significance (1 of 4 stars; one submission).

Conditions:
Gastrointestinal stromal tumor. Also called: Gastrointestinal stroma tumor; Gastrointestinal stromal tumor, somatic. Identifiers: Orphanet 44890, MedGen C0238198, MeSH D046152, MONDO:0011719, OMIM 606764, HP:0100723.

Submission:

Labcorp Genetics (formerly Invitae), Labcorp
Classification: Uncertain significance for Gastrointestinal stromal tumor. Last evaluated: 2021-06-21. Review status: criteria provided, single submitter. Criteria: Invitae Variant Classification Sherloc (09022015). Collection method: clinical testing. Allele origin: germline.
Comment: In summary, the available evidence is currently insufficient to determine the role of this variant in disease. Therefore, it has been classified as a Variant of Uncertain Significance. Algorithms developed to predict the effect of missense changes on protein structure and function (SIFT, PolyPhen-2, Align-GVGD) all suggest that this variant is likely to be tolerated, but these predictions have not been confirmed by published functional studies and their clinical significance is uncertain. This variant has not been reported in the literature in individuals with PDGFRA-related conditions. This variant is not present in population databases (ExAC no frequency). This sequence change replaces leucine with proline at codon 131 of the PDGFRA protein (p.Leu131Pro). The leucine residue is weakly conserved and there is a moderate physicochemical difference between leucine and proline.